The following is an entry in ClinVar:

NM_030662.4(MAP2K2):c.548A>G (p.Tyr183Cys)

Gene: MAP2K2 (mitogen-activated protein kinase kinase 2; minus strand). Cytogenetic location: 19p13.3.
Variant type: single nucleotide variant.
Coding change: c.548A>G on transcript NM_030662.4 (MANE Select); coding-DNA position 548, A replaced by G.
Protein change: p.Tyr183Cys; replaces tyrosine 183 with cysteine.
Molecular consequence: missense variant.
Genome position (GRCh38, 1-based): chr19:4,101,261, T>C on the plus strand (A>G on the coding strand, the complement: MAP2K2 is on the minus strand). VCF-style: chr19-4101261-T-C. GRCh37 (hg19) VCF-style: chr19-4101259-T-C.
Other names: short protein forms Y183C.
Identifiers: ClinVar variation 2764236 (VCV002764236.3), dbSNP rs2512310621, ClinGen allele CA403388988.

ClinVar aggregate classification (germline): Uncertain significance (1 of 4 stars; one submission).

Conditions:
RASopathy. Also called: Noonan spectrum disorder; rasopathies. Identifiers: Orphanet 536391, MedGen C5555857, MONDO:0021060.

Submission:

Labcorp Genetics (formerly Invitae), Labcorp
Classification: Uncertain significance for RASopathy. Last evaluated: 2023-09-29. Review status: criteria provided, single submitter. Criteria: Invitae Variant Classification Sherloc (09022015). Collection method: clinical testing. Allele origin: germline.
Comment: This sequence change replaces tyrosine, which is neutral and polar, with cysteine, which is neutral and slightly polar, at codon 183 of the MAP2K2 protein (p.Tyr183Cys). In summary, the available evidence is currently insufficient to determine the role of this variant in disease. Therefore, it has been classified as a Variant of Uncertain Significance. This variant is not present in population databases (gnomAD no frequency). This variant has not been reported in the literature in individuals affected with MAP2K2-related conditions. Advanced modeling of protein sequence and biophysical properties (such as structural, functional, and spatial information, amino acid conservation, physicochemical variation, residue mobility, and thermodynamic stability) has been performed at Invitae for this missense variant, however the output from this modeling did not meet the statistical confidence thresholds required to predict the impact of this variant on MAP2K2 protein function.